The following is an entry in ClinVar:

NM_001040151.2(SCN3B):c.106G>A (p.Val36Met)

Gene: SCN3B (sodium voltage-gated channel beta subunit 3; minus strand). Cytogenetic location: 11q24.1.
Variant type: single nucleotide variant.
Coding change: c.106G>A on transcript NM_001040151.2 (MANE Select); coding-DNA position 106, G replaced by A.
Protein change: p.Val36Met; replaces valine 36 with methionine.
Molecular consequence: missense variant.
Genome position (GRCh38, 1-based): chr11:123,645,700, C>T on the plus strand (G>A on the coding strand, the complement: SCN3B is on the minus strand). VCF-style: chr11-123645700-C-T. GRCh37 (hg19) VCF-style: chr11-123516408-C-T.
Other names: c.106G>A (NM_018400.3); c.106G>A, p.Val36Met (NM_018400.4); short protein forms V36M.
Identifiers: ClinVar variation 1376285 (VCV001376285.8), dbSNP rs147803210, ClinGen allele CA6334081.

ClinVar aggregate classification (germline): Conflicting classifications of pathogenicity. Review status: criteria provided, conflicting classifications (1 of 4 stars). 3 submissions from 3 submitters: Uncertain significance (2); Likely benign (1). Last evaluated 2024-12-30.

Conditions:
Cardiovascular phenotype. Identifiers: MedGen CN230736.
Brugada syndrome 7 (BRGDA7). Identifiers: Orphanet 130, MedGen C2751088, MONDO:0013146, OMIM 613120.

Allele frequency attached by ClinVar (database versions not stated): ExAC 0.00002; TOPMed 0.00003; gnomAD 0.00004; gnomAD exomes 0.00004; 1000 Genomes Project 30x 0.00016; 1000 Genomes Project 0.00020.
gnomAD v4.1: 37 of 1,614,148 alleles (0.0023%); highest among the groups gnomAD compares: Admixed American, 0.01%; no homozygotes.

Submissions (3):

Labcorp Genetics (formerly Invitae), Labcorp
Classification: Uncertain significance for Brugada syndrome 7. Last evaluated: 2024-12-30. Review status: criteria provided, single submitter. Criteria: Invitae Variant Classification Sherloc (09022015). Collection method: clinical testing. Allele origin: germline.
Comment: This sequence change replaces valine, which is neutral and non-polar, with methionine, which is neutral and non-polar, at codon 36 of the SCN3B protein (p.Val36Met). This variant is present in population databases (rs147803210, gnomAD 0.02%). This missense change has been observed in individual(s) with sudden unexplained death (PMID: 20226894). ClinVar contains an entry for this variant (Variation ID: 1376285). An algorithm developed to predict the effect of missense changes on protein structure and function (PolyPhen-2) suggests that this variant is likely to be disruptive. Experimental studies have shown that this missense change affects SCN3B function (PMID: 20226894). In summary, the available evidence is currently insufficient to determine the role of this variant in disease. Therefore, it has been classified as a Variant of Uncertain Significance.

Ambry Genetics
Classification: Likely benign for Cardiovascular phenotype. Last evaluated: 2023-03-01. Review status: criteria provided, single submitter. Criteria: Ambry Variant Classification Scheme 2023. Collection method: clinical testing. Allele origin: germline.

Fulgent Genetics
Classification: Uncertain significance for Brugada syndrome 7. Last evaluated: 2021-09-20. Review status: criteria provided, single submitter. Criteria: ACMG Guidelines, 2015. Collection method: clinical testing. Allele origin: unknown.

Literature cited by the submitters: PubMed 20226894 (cited by Labcorp Genetics (formerly Invitae), Labcorp).